The following is an entry in ClinVar:

NM_004994.3(MMP9):c.1990G>A (p.Val664Ile)

Genes: MMP9 (matrix metallopeptidase 9; plus strand), SLC12A5-AS1 (SLC12A5 and MMP9 antisense RNA 1; minus strand). Cytogenetic location: 20q13.12.
Variant type: single nucleotide variant.
Coding change: c.1990G>A on transcript NM_004994.3 (MANE Select); coding-DNA position 1990, G replaced by A.
Protein change: p.Val664Ile; replaces valine 664 with isoleucine.
Molecular consequence: missense variant. On other transcripts: non-coding transcript variant (1).
Genome position (GRCh38, 1-based): chr20:46,014,459, G>A. VCF-style: chr20-46014459-G-A. GRCh37 (hg19) VCF-style: chr20-44643098-G-A.
Other names: short protein forms V664I.
Identifiers: ClinVar variation 4706696 (VCV004706696.1).

ClinVar aggregate classification (germline): Uncertain significance (1 of 4 stars; one submission).

gnomAD v4.1: 19 of 1,550,460 alleles (0.0012%); highest among the groups gnomAD compares: Non-Finnish European, 0.0015%; no homozygotes.

Submission:

Labcorp Genetics (formerly Invitae), Labcorp
Classification: Uncertain significance. Last evaluated: 2025-05-21. Review status: criteria provided, single submitter. Criteria: Invitae Variant Classification Sherloc (09022015). Collection method: clinical testing. Allele origin: germline.
Comment: This sequence change replaces valine, which is neutral and non-polar, with isoleucine, which is neutral and non-polar, at codon 664 of the MMP9 protein (p.Val664Ile). The frequency data for this variant in the population databases is considered unreliable, as metrics indicate poor data quality at this position in the gnomAD database. This variant has not been reported in the literature in individuals affected with MMP9-related conditions. Invitae Evidence Modeling of protein sequence and biophysical properties (such as structural, functional, and spatial information, amino acid conservation, physicochemical variation, residue mobility, and thermodynamic stability) indicates that this missense variant is not expected to disrupt MMP9 protein function with a negative predictive value of 80%. In summary, the available evidence is currently insufficient to determine the role of this variant in disease. Therefore, it has been classified as a Variant of Uncertain Significance.